The following is an entry in ClinVar:

NM_130837.3(OPA1):c.1369G>A (p.Val457Met)

Gene: OPA1 (OPA1 mitochondrial dynamin like GTPase; plus strand). Cytogenetic location: 3q29.
Variant type: single nucleotide variant.
Coding change: c.1369G>A on transcript NM_130837.3 (MANE Select); coding-DNA position 1369, G replaced by A.
Protein change: p.Val457Met; replaces valine 457 with methionine.
Molecular consequence: missense variant.
Genome position (GRCh38, 1-based): chr3:193,643,436, G>A. VCF-style: chr3-193643436-G-A. GRCh37 (hg19) VCF-style: chr3-193361225-G-A.
Other names: c.1207G>A, p.Val403Met (NM_130833.3); c.1258G>A, p.Val420Met (NM_130834.3); c.1261G>A, p.Val421Met (NM_130835.3); c.1315G>A, p.Val439Met (NM_130836.3); c.835G>A, p.Val279Met (NM_001354663.2); c.832G>A, p.Val278Met (NM_001354664.2); c.1204G>A, p.Val402Met (NM_015560.3); c.1096G>A, p.Val366Met (NM_130831.3); and 1 more; short protein forms V402M, V457M, V366M, V420M, V279M, V439M, V278M, V384M.
Identifiers: ClinVar variation 225122 (VCV000225122.5), dbSNP rs879255594, ClinGen allele CA10576006.

ClinVar aggregate classification (germline): Uncertain significance. Review status: criteria provided, single submitter (1 of 4 stars). 2 submissions from 2 submitters: Uncertain significance (1). 1 of the submissions does not count toward it. Last evaluated 2023-03-14.

Conditions:
Abortive cerebellar ataxia (BEHRS). Also called: OPTIC ATROPHY, INFANTILE HEREDITARY, WITH NEUROLOGIC ABNORMALITIES; Behr syndrome. Identifiers: Orphanet 1239, MedGen C0221061, MONDO:0008858, OMIM 210000.

Allele frequency attached by ClinVar (database versions not stated): gnomAD exomes below 0.00001.
gnomAD v4.1: 1 of 1,609,402 alleles (0.000062%); highest among the groups gnomAD compares: Non-Finnish European, 0.000085%; no homozygotes.

Submissions (2):

Labcorp Genetics (formerly Invitae), Labcorp
Classification: Uncertain significance. Last evaluated: 2023-03-14. Review status: criteria provided, single submitter. Criteria: Invitae Variant Classification Sherloc (09022015). Collection method: clinical testing. Allele origin: germline.
Comment: In summary, the available evidence is currently insufficient to determine the role of this variant in disease. Therefore, it has been classified as a Variant of Uncertain Significance. Algorithms developed to predict the effect of sequence changes on RNA splicing suggest that this variant may create or strengthen a splice site. Advanced modeling of protein sequence and biophysical properties (such as structural, functional, and spatial information, amino acid conservation, physicochemical variation, residue mobility, and thermodynamic stability) performed at Invitae indicates that this missense variant is not expected to disrupt OPA1 protein function. ClinVar contains an entry for this variant (Variation ID: 225122). This variant is also known as c.1369G>A. This missense change has been observed in individual(s) with OPA1-related conditions (PMID: 25012220). In at least one individual the data is consistent with being in trans (on the opposite chromosome) from a pathogenic variant. This variant is not present in population databases (gnomAD no frequency). This sequence change replaces valine, which is neutral and non-polar, with methionine, which is neutral and non-polar, at codon 402 of the OPA1 protein (p.Val402Met).

OMIM
Classification: Pathogenic for BEHR SYNDROME. Last evaluated: 2016-08-18. Review status: no assertion criteria provided. Collection method: literature only. Allele origin: germline. Not counted in ClinVar's aggregate classification.

Literature cited by the submitters: PubMed 25012220 (cited by Labcorp Genetics (formerly Invitae), Labcorp and OMIM).